The following is an entry in ClinVar:

NM_003573.2(LTBP4):c.2144-11C>A

Gene: LTBP4 (latent transforming growth factor beta binding protein 4; plus strand). Cytogenetic location: 19q13.2.
Variant type: single nucleotide variant.
Coding change: c.2144-11C>A on transcript NM_003573.2; 11 bases into the intron before coding-DNA position 2144, C replaced by A.
Molecular consequence: intron variant.
Genome position (GRCh38, 1-based): chr19:40,611,848, C>A. VCF-style: chr19-40611848-C-A. GRCh37 (hg19) VCF-style: chr19-41117754-C-A.
Other names: c.2255-11C>A (NM_001042544.1); c.2054-11C>A (NM_001042545.2).
Identifiers: ClinVar variation 226719 (VCV000226719.22), dbSNP rs41470347, ClinGen allele CA9448524.

ClinVar aggregate classification (germline): Benign. Review status: criteria provided, multiple submitters, no conflicts (2 of 4 stars). 6 submissions from 6 submitters: Benign (6). Last evaluated 2026-02-04.

Conditions:
Cutis laxa with severe pulmonary, gastrointestinal and urinary anomalies. Also called: Cutis laxa, autosomal recessive, type IC; LTBP4-Related Cutis Laxa; URBAN-RIFKIN-DAVIS SYNDROME. Identifiers: Orphanet 221145, MedGen C2750804, MONDO:0013170, OMIM 613177. Disease mechanism: loss of function.

Allele frequency attached by ClinVar (database versions not stated): 1000 Genomes Project 0.02935; 1000 Genomes Project 30x 0.03029; gnomAD 0.05500 and 0.05552; TOPMed 0.05647; gnomAD exomes 0.05961 and 0.08094; ESP Exome Variant Server 0.06051; ExAC 0.07484.
gnomAD v4.1: 125,720 of 1,604,842 alleles (7.8%); highest among the groups gnomAD compares: Middle Eastern, 12%; 5,683 homozygotes.

Submissions (17):

Labcorp Genetics (formerly Invitae), Labcorp
Classification: Benign. Last evaluated: 2026-02-04. Review status: criteria provided, single submitter. Criteria: Invitae Variant Classification Sherloc (09022015). Collection method: clinical testing. Allele origin: germline.

Genome-Nilou Lab
Classification: Benign for Cutis laxa with severe pulmonary, gastrointestinal and urinary anomalies. Last evaluated: 2021-09-05. Review status: criteria provided, single submitter. Criteria: ACMG Guidelines, 2015. Collection method: clinical testing. Allele origin: germline. Affected: no.

Illumina Laboratory Services, Illumina
Classification: Benign for Cutis laxa with severe pulmonary, gastrointestinal and urinary anomalies. Last evaluated: 2018-01-12. Review status: criteria provided, single submitter. Criteria: ICSL Variant Classification Criteria 13 December 2019. Collection method: clinical testing. Allele origin: germline.
Comment: This variant was observed in the ICSL laboratory as part of a predisposition screen in an ostensibly healthy population. It had not been previously curated by ICSL or reported in the Human Gene Mutation Database (HGMD: prior to June 1st, 2018), and was therefore a candidate for classification through an automated scoring system. Utilizing variant allele frequency, disease prevalence and penetrance estimates, and inheritance mode, an automated score was calculated to assess if this variant is too frequent to cause the disease. Based on the score and internal cut-off values, a variant classified as benign is not then subjected to further curation. The score for this variant resulted in a classification of benign for this disease.

GeneDx
Classification: Benign. Last evaluated: 2016-10-03. Review status: criteria provided, single submitter. Criteria: GeneDx Variant Classification (06012015). Collection method: clinical testing. Allele origin: germline. Affected: yes.
Comment: This variant is considered likely benign or benign based on one or more of the following criteria: it is a conservative change, it occurs at a poorly conserved position in the protein, it is predicted to be benign by multiple in silico algorithms, and/or has population frequency not consistent with disease.

Laboratory for Molecular Medicine, Mass General Brigham Personalized Medicine
Classification: Benign. Last evaluated: 2013-02-21. Review status: criteria provided, single submitter. Criteria: LMM Criteria. Collection method: clinical testing. Allele origin: germline. Observed: 4 variant alleles.
Comment: 2255-11C>A in intron 16 of LTBP4: This variant is not expected to have clinical significance because it has been identified in 8.2% (683/8378) of European Ameri can chromosomes from a broad population by the NHLBI Exome Sequencing Project (dbSNP rs41470347).

Breakthrough Genomics
Classification: Benign. Review status: criteria provided, single submitter. Criteria: ACMG Guidelines, 2015. Collection method: not provided. Allele origin: germline. Inheritance: Autosomal recessive inheritance. Affected: yes.

Dr. Peter K. Rogan Lab, Western University
No classification provided (evidence only). Condition: Malignant lymphoma, large B-cell, diffuse. Review status: no classification provided. Collection method: in vitro. Allele origin: not applicable. Functional consequence: retained intron. Not counted in ClinVar's aggregate classification.

Dr. Peter K. Rogan Lab, Western University
No classification provided (evidence only). Condition: Nonpapillary renal cell carcinoma. Review status: no classification provided. Collection method: in vitro. Allele origin: not applicable. Functional consequence: retained intron. Not counted in ClinVar's aggregate classification.

Dr. Peter K. Rogan Lab, Western University
No classification provided (evidence only). Condition: Nonpapillary renal cell carcinoma. Review status: no classification provided. Collection method: in vitro. Allele origin: not applicable. Functional consequence: retained intron. Not counted in ClinVar's aggregate classification.

Dr. Peter K. Rogan Lab, Western University
No classification provided (evidence only). Condition: Thymoma. Review status: no classification provided. Collection method: in vitro. Allele origin: not applicable. Functional consequence: retained intron. Not counted in ClinVar's aggregate classification.

Dr. Peter K. Rogan Lab, Western University
No classification provided (evidence only). Condition: Thymoma. Review status: no classification provided. Collection method: in vitro. Allele origin: not applicable. Functional consequence: retained intron. Not counted in ClinVar's aggregate classification.

Dr. Peter K. Rogan Lab, Western University
No classification provided (evidence only). Condition: Thymoma. Review status: no classification provided. Collection method: in vitro. Allele origin: not applicable. Functional consequence: skipped exon. Not counted in ClinVar's aggregate classification.

Dr. Peter K. Rogan Lab, Western University
No classification provided (evidence only). Condition: Thymoma. Review status: no classification provided. Collection method: in vitro. Allele origin: not applicable. Functional consequence: retained intron. Not counted in ClinVar's aggregate classification.

Dr. Peter K. Rogan Lab, Western University
No classification provided (evidence only). Condition: Gastric cancer. Review status: no classification provided. Collection method: in vitro. Allele origin: not applicable. Functional consequence: retained intron. Not counted in ClinVar's aggregate classification.

Dr. Peter K. Rogan Lab, Western University
No classification provided (evidence only). Condition: Gastric cancer. Review status: no classification provided. Collection method: in vitro. Allele origin: not applicable. Functional consequence: retained intron. Not counted in ClinVar's aggregate classification.

Dr. Peter K. Rogan Lab, Western University
No classification provided (evidence only). Condition: Gastric cancer. Review status: no classification provided. Collection method: in vitro. Allele origin: not applicable. Functional consequence: retained intron. Not counted in ClinVar's aggregate classification.

Dr. Peter K. Rogan Lab, Western University
No classification provided (evidence only). Condition: Gastric cancer. Review status: no classification provided. Collection method: in vitro. Allele origin: not applicable. Functional consequence: retained intron. Not counted in ClinVar's aggregate classification.